The following is an entry in ClinVar:

NM_017636.4(TRPM4):c.3496C>G (p.Arg1166Gly)

Gene: TRPM4 (transient receptor potential cation channel subfamily M member 4; plus strand). Cytogenetic location: 19q13.33.
Variant type: single nucleotide variant.
Coding change: c.3496C>G on transcript NM_017636.4 (MANE Select); coding-DNA position 3496, C replaced by G.
Protein change: p.Arg1166Gly; replaces arginine 1166 with glycine.
Molecular consequence: missense variant.
Genome position (GRCh38, 1-based): chr19:49,211,049, C>G. VCF-style: chr19-49211049-C-G. GRCh37 (hg19) VCF-style: chr19-49714306-C-G.
Other names: c.3061C>G, p.Arg1021Gly (NM_001195227.2); c.3151C>G, p.Arg1051Gly (NM_001321281.2); c.1888C>G, p.Arg630Gly (NM_001321282.2); c.2974C>G, p.Arg992Gly (NM_001321283.2); c.2434C>G, p.Arg812Gly (NM_001321285.2); short protein forms R992G, R1051G, R630G, R812G, R1021G, R1166G.
Identifiers: ClinVar variation 1731985 (VCV001731985.2), dbSNP rs1482568988, ClinGen allele CA406773373.

ClinVar aggregate classification (germline): Uncertain significance (1 of 4 stars; one submission).

Conditions:
Cardiovascular phenotype. Identifiers: MedGen CN230736.

Allele frequency attached by ClinVar (database versions not stated): gnomAD 0.00001.
gnomAD v4.1: 5 of 1,614,002 alleles (0.00031%); highest among the groups gnomAD compares: African/African-American, 0.004%; no homozygotes.

Submission:

Ambry Genetics
Classification: Uncertain significance for Cardiovascular phenotype. Last evaluated: 2020-10-16. Review status: criteria provided, single submitter. Criteria: Ambry Variant Classification Scheme 2023. Collection method: clinical testing. Allele origin: germline.
Comment: The p.R1166G variant (also known as c.3496C>G), located in coding exon 23 of the TRPM4 gene, results from a C to G substitution at nucleotide position 3496. The arginine at codon 1166 is replaced by glycine, an amino acid with dissimilar properties. This amino acid position is well conserved in available vertebrate species. In addition, this alteration is predicted to be tolerated by in silico analysis. Since supporting evidence is limited at this time, the clinical significance of this alteration remains unclear.